The following is an entry in ClinVar:

ClinVar aggregate classification (germline): Uncertain significance (1 of 4 stars; one submission).

Allele frequency attached by ClinVar (database versions not stated): gnomAD 0.00001; gnomAD exomes 0.00001; TOPMed 0.00001.

Submission:

GeneDx
Classification: Uncertain significance. Last evaluated: 2021-01-26. Review status: criteria provided, single submitter. Criteria: GeneDx Variant Classification Process June 2021. Collection method: clinical testing. Allele origin: germline. Affected: yes.
Comment: In silico analysis supports that this variant does not alter splicing; Has not been previously published as pathogenic or benign to our knowledge

NM_001614.5(ACTG1):c.193C>T (p.Leu65=)

Gene: ACTG1 (actin gamma 1; minus strand). Cytogenetic location: 17q25.3.
Variant type: single nucleotide variant.
Coding change: c.193C>T on transcript NM_001614.5 (MANE Select); coding-DNA position 193, C replaced by T.
Protein change: p.Leu65=; no amino-acid change (leucine 65 retained).
Molecular consequence: synonymous variant. On other transcripts: non-coding transcript variant (1).
Genome position (GRCh38, 1-based): chr17:81,512,073, G>A on the plus strand (C>T on the coding strand, the complement: ACTG1 is on the minus strand). VCF-style: chr17-81512073-G-A. GRCh37 (hg19) VCF-style: chr17-79479099-G-A.
Other names: c.193C>T, p.Leu65= (NM_001199954.3).
Identifiers: ClinVar variation 1315503 (VCV001315503.2), dbSNP rs1275470163, ClinGen allele CA502419935.